The following is an entry in ClinVar:

ClinVar aggregate classification (germline): Uncertain significance (1 of 4 stars; one submission).

Submission:

GeneDx
Classification: Uncertain significance. Last evaluated: 2024-07-30. Review status: criteria provided, single submitter. Criteria: GeneDx Variant Classification Process June 2021. Collection method: clinical testing. Allele origin: germline. Affected: yes.
Comment: Not observed at significant frequency in large population cohorts (gnomAD); In silico analysis indicates that this missense variant does not alter protein structure/function; Has not been previously published as pathogenic or benign to our knowledge; This variant is associated with the following publications: (PMID: 25168514, 26138142, 26503042)

NM_002047.4(GARS1):c.1239C>G (p.Ile413Met)

Gene: GARS1 (glycyl-tRNA synthetase 1; plus strand). Cytogenetic location: 7p14.3.
Variant type: single nucleotide variant.
Coding change: c.1239C>G on transcript NM_002047.4 (MANE Select); coding-DNA position 1239, C replaced by G.
Protein change: p.Ile413Met; replaces isoleucine 413 with methionine.
Molecular consequence: missense variant.
Genome position (GRCh38, 1-based): chr7:30,617,158, C>G. VCF-style: chr7-30617158-C-G. GRCh37 (hg19) VCF-style: chr7-30656774-C-G.
Other names: c.1077C>G, p.Ile359Met (NM_001316772.1); short protein forms I359M, I413M.
Identifiers: ClinVar variation 3602525 (VCV003602525.1).